The following is an entry in ClinVar:

ClinVar aggregate classification (germline): Uncertain significance. Review status: criteria provided, multiple submitters, no conflicts (2 of 4 stars). 2 submissions from 2 submitters: Uncertain significance (2). Last evaluated 2024-12-16.

Conditions:
Hereditary cancer-predisposing syndrome. Also called: Hereditary Cancer Syndrome; Tumor predisposition; Hereditary neoplastic syndrome; Neoplastic Syndromes, Hereditary. Identifiers: Orphanet 140162, MedGen C0027672, MeSH D009386, MONDO:0015356.
EGFR-related lung cancer (EGFR). Identifiers: MedGen CN130014.

Submissions (2):

Ambry Genetics
Classification: Uncertain significance for Hereditary cancer-predisposing syndrome. Last evaluated: 2024-12-16. Review status: criteria provided, single submitter. Criteria: Ambry Variant Classification Scheme 2023. Collection method: clinical testing. Allele origin: germline.
Comment: The p.R377S variant (also known as c.1131G>T), located in coding exon 9 of the EGFR gene, results from a G to T substitution at nucleotide position 1131. The arginine at codon 377 is replaced by serine, an amino acid with dissimilar properties. This amino acid position is poorly conserved in available vertebrate species. In addition, this alteration is predicted to be tolerated by in silico analysis. Based on the available evidence, the clinical significance of this variant remains unclear.

Labcorp Genetics (formerly Invitae), Labcorp
Classification: Uncertain significance for EGFR-related lung cancer. Last evaluated: 2024-04-02. Review status: criteria provided, single submitter. Criteria: Invitae Variant Classification Sherloc (09022015). Collection method: clinical testing. Allele origin: germline.
Comment: This sequence change replaces arginine, which is basic and polar, with serine, which is neutral and polar, at codon 377 of the EGFR protein (p.Arg377Ser). This variant is not present in population databases (gnomAD no frequency). This variant has not been reported in the literature in individuals affected with EGFR-related conditions. ClinVar contains an entry for this variant (Variation ID: 1046685). An algorithm developed to predict the effect of missense changes on protein structure and function (PolyPhen-2) suggests that this variant is likely to be tolerated. In summary, the available evidence is currently insufficient to determine the role of this variant in disease. Therefore, it has been classified as a Variant of Uncertain Significance.

NM_005228.5(EGFR):c.1131G>T (p.Arg377Ser)

Genes: EGFR (epidermal growth factor receptor; plus strand), LOC126860048 (P300/CBP strongly-dependent group 1 enhancer GRCh37_chr7:55223847-55225046; plus strand). Cytogenetic location: 7p11.2.
Variant type: single nucleotide variant.
Coding change: c.1131G>T on transcript NM_005228.5 (MANE Select); coding-DNA position 1131, G replaced by T.
Protein change: p.Arg377Ser; replaces arginine 377 with serine.
Molecular consequence: missense variant.
Genome position (GRCh38, 1-based): chr7:55,156,657, G>T. VCF-style: chr7-55156657-G-T. GRCh37 (hg19) VCF-style: chr7-55224350-G-T.
Other names: c.996G>T, p.Arg332Ser (NM_001346897.2, NM_001346899.2); c.1131G>T, p.Arg377Ser (NM_001346898.2, NM_201282.2, NM_201283.2 and 1 more transcripts); c.972G>T, p.Arg324Ser (NM_001346900.2); c.330G>T, p.Arg110Ser (NM_001346941.2); c.1131G>T (NM_005228.3); short protein forms R377S, R110S, R324S, R332S.
Identifiers: ClinVar variation 1046685 (VCV001046685.11), dbSNP rs1785432794, ClinGen allele CA367578465.